The following is an entry in ClinVar:

NM_013432.5(TONSL):c.1276C>T (p.Arg426Cys)

Gene: TONSL (tonsoku like, DNA repair protein; minus strand). Cytogenetic location: 8q24.3.
Variant type: single nucleotide variant.
Coding change: c.1276C>T on transcript NM_013432.5 (MANE Select); coding-DNA position 1276, C replaced by T.
Protein change: p.Arg426Cys; replaces arginine 426 with cysteine.
Molecular consequence: missense variant.
Genome position (GRCh38, 1-based): chr8:144,440,365, G>A on the plus strand (C>T on the coding strand, the complement: TONSL is on the minus strand). VCF-style: chr8-144440365-G-A. GRCh37 (hg19) VCF-style: chr8-145665748-G-A.
Other names: short protein forms R426C.
Identifiers: ClinVar variation 3619476 (VCV003619476.2).

ClinVar aggregate classification (germline): Uncertain significance (1 of 4 stars; one submission).

gnomAD v4.1: 16 of 1,595,678 alleles (0.001%); highest among the groups gnomAD compares: African/African-American, 0.004%; no homozygotes.

Submission:

Labcorp Genetics (formerly Invitae), Labcorp
Classification: Uncertain significance. Last evaluated: 2024-12-09. Review status: criteria provided, single submitter. Criteria: Invitae Variant Classification Sherloc (09022015). Collection method: clinical testing. Allele origin: germline.
Comment: This sequence change replaces arginine, which is basic and polar, with cysteine, which is neutral and slightly polar, at codon 426 of the TONSL protein (p.Arg426Cys). The frequency data for this variant in the population databases is considered unreliable, as metrics indicate poor data quality at this position in the gnomAD database. This variant has not been reported in the literature in individuals affected with TONSL-related conditions. Invitae Evidence Modeling of protein sequence and biophysical properties (such as structural, functional, and spatial information, amino acid conservation, physicochemical variation, residue mobility, and thermodynamic stability) indicates that this missense variant is expected to disrupt TONSL protein function with a positive predictive value of 80%. In summary, the available evidence is currently insufficient to determine the role of this variant in disease. Therefore, it has been classified as a Variant of Uncertain Significance.